The following is an entry in ClinVar:

ClinVar aggregate classification (germline): Uncertain significance (1 of 4 stars; one submission).

gnomAD v4.1: 2 of 1,204,984 alleles (0.00017%); highest among the groups gnomAD compares: East Asian, 0.0059%; no homozygotes.

Submission:

ARUP Laboratories, Molecular Genetics and Genomics, ARUP Laboratories
Classification: Uncertain significance. Last evaluated: 2025-01-15. Review status: criteria provided, single submitter. Criteria: ARUP Molecular Germline Variant Investigation Process 2024. Collection method: clinical testing. Allele origin: germline.
Comment: The DMD c.3325T>C p.Phe1109Leu variant (rs748870087), also known as c.*9T>C in transcript NM_004006.3, is not reported in the medical literature or gene specific databases, to our knowledge. This variant is found in the East Asian population with an allele frequency of 0.03% (4/13,852 alleles, including one hemizygote) in the Genome Aggregation Database (v2.1.1). Computational analyses are uncertain whether this variant is neutral or deleterious (REVEL: 0.249). Given the lack of clinical and functional data, the significance of this variant is uncertain at this time.

NM_004006.3(DMD):c.*9T>C

Gene: DMD (dystrophin; minus strand). Cytogenetic location: Xp21.2.
Variant type: single nucleotide variant.
Coding change: c.*9T>C on transcript NM_004006.3 (MANE Select); 9 bases downstream of the stop codon, T replaced by C.
Molecular consequence: 3 prime UTR variant. On other transcripts: missense variant (5).
Genome position (GRCh38, 1-based): chrX:31,121,910, A>G on the plus strand (T>C on the coding strand, the complement: DMD is on the minus strand). VCF-style: chrX-31121910-A-G. GRCh37 (hg19) VCF-style: chrX-31140027-A-G.
Other names: c.*9T>C (NM_000109.4, NM_004009.3, NM_004010.3 and 7 more transcripts); c.1831T>C, p.Phe611Leu (NM_004016.3); c.1792T>C, p.Phe598Leu (NM_004018.3); c.3655T>C, p.Phe1219Leu (NM_004021.3); c.3616T>C, p.Phe1206Leu (NM_004022.3); c.3325T>C, p.Phe1109Leu (NM_004023.3); short protein forms F1109L, F1206L, F1219L, F598L, F611L.
Identifiers: ClinVar variation 4686002 (VCV004686002.1).